The following is an entry in ClinVar:

ClinVar aggregate classification (germline): Pathogenic. Review status: criteria provided, multiple submitters, no conflicts (2 of 4 stars). 2 submissions from 2 submitters: Pathogenic (2). Last evaluated 2025-03-13.

Conditions:
Hereditary breast ovarian cancer syndrome. Also called: Hereditary breast and ovarian cancer; Hereditary breast and/or ovarian cancer syndrome; Hereditary breast and ovarian cancer syndrome; Hereditary breast and ovarian cancer syndrome (HBOC); Breast and ovarian cancer; BRCA1- and BRCA2-Associated Hereditary Breast and Ovarian Cancer. Identifiers: Orphanet 145, MedGen C0677776, MeSH D061325, MONDO:0003582. Disease mechanism: loss of function.
Hereditary cancer-predisposing syndrome. Also called: Hereditary neoplastic syndrome; Tumor predisposition; Neoplastic Syndromes, Hereditary; Hereditary Cancer Syndrome. Identifiers: Orphanet 140162, MedGen C0027672, MeSH D009386, MONDO:0015356.

Submissions (2):

Ambry Genetics
Classification: Pathogenic for Hereditary cancer-predisposing syndrome. Last evaluated: 2025-03-13. Review status: criteria provided, single submitter. Criteria: Ambry Variant Classification Scheme 2023. Collection method: clinical testing. Allele origin: germline.
Comment: The c.1467_1468delTG pathogenic mutation, located in coding exon 9 of the BRCA2 gene, results from a deletion of two nucleotides at nucleotide positions 1467 to 1468, causing a translational frameshift with a predicted alternate stop codon (p.G490Nfs*23). This variant is considered to be rare based on population cohorts in the Genome Aggregation Database (gnomAD). This alteration is expected to result in loss of function by premature protein truncation or nonsense-mediated mRNA decay. As such, this alteration is interpreted as a disease-causing mutation.

Labcorp Genetics (formerly Invitae), Labcorp
Classification: Pathogenic for Hereditary breast ovarian cancer syndrome. Last evaluated: 2023-11-27. Review status: criteria provided, single submitter. Criteria: Invitae Variant Classification Sherloc (09022015). Collection method: clinical testing. Allele origin: germline.
Comment: This sequence change creates a premature translational stop signal (p.Gly490Asnfs*23) in the BRCA2 gene. It is expected to result in an absent or disrupted protein product. Loss-of-function variants in BRCA2 are known to be pathogenic (PMID: 20104584). This variant is not present in population databases (gnomAD no frequency). This variant has not been reported in the literature in individuals affected with BRCA2-related conditions. ClinVar contains an entry for this variant (Variation ID: 954143). For these reasons, this variant has been classified as Pathogenic.

Literature cited by the submitters: PubMed 20104584 (cited by Labcorp Genetics (formerly Invitae), Labcorp).

NM_000059.4(BRCA2):c.1467_1468del (p.Gly490fs)

Gene: BRCA2 (BRCA2 DNA repair associated; plus strand). Cytogenetic location: 13q13.1.
Variant type: Deletion.
Coding change: c.1467_1468del on transcript NM_000059.4 (MANE Select); coding-DNA positions 1467 to 1468, 2 bases deleted (TG; older notation c.1467_1468delTG).
Protein change: p.Gly490fs; shifts the reading frame from glycine 490.
Molecular consequence: frameshift variant.
Genome position (GRCh38, 1-based): chr13:32,332,945-32,332,946, TG deleted. VCF-style (leftmost placement, unchanged base first): chr13-32332944-CTG-C. GRCh37 (hg19) VCF-style: chr13-32907081-CTG-C.
Other names: c.1467_1468delTG (NM_000059.3); short protein forms G490fs.
Identifiers: ClinVar variation 954143 (VCV000954143.9), dbSNP rs2072414093, ClinGen allele CA1139663110.